The following is an entry in ClinVar:

NM_000016.6(ACADM):c.117del (p.Phe39fs)

Gene: ACADM (acyl-CoA dehydrogenase medium chain; plus strand). Cytogenetic location: 1p31.1.
Variant type: Deletion.
Coding change: c.117del on transcript NM_000016.6 (MANE Select); coding-DNA position 117, one base deleted (T; older notation c.117delT).
Protein change: p.Phe39fs; shifts the reading frame from phenylalanine 39.
Molecular consequence: frameshift variant. On other transcripts: intron variant (2).
Genome position (GRCh38, 1-based): chr1:75,728,487, T deleted; the last of 4 consecutive T bases (chr1:75,728,484-75,728,487); deleting any one gives the same sequence. VCF-style (leftmost placement, unchanged base first): chr1-75728483-GT-G. GRCh37 (hg19) VCF-style: chr1-76194168-GT-G.
Other names: c.129del, p.Phe43fs (NM_001127328.3); c.117del, p.Phe39fs (NM_001286043.2); c.10+3670del (NM_001286042.2); c.-268+3670del (NM_001286044.2); short protein forms F39fs, F43fs.
Identifiers: ClinVar variation 2679943 (VCV002679943.2), dbSNP rs772586266, ClinGen allele CA912944.

ClinVar aggregate classification (germline): Pathogenic/Likely pathogenic. Review status: criteria provided, multiple submitters, no conflicts (2 of 4 stars). 2 submissions from 2 submitters: Pathogenic (1); Likely pathogenic (1). Last evaluated 2024-06-02.

Conditions:
Medium-chain acyl-coenzyme A dehydrogenase deficiency (ACADMD). Also called: MCADH DEFICIENCY; CARNITINE DEFICIENCY SECONDARY TO MEDIUM-CHAIN ACYL-CoA DEHYDROGENASE DEFICIENCY; Medium chain acyl-CoA dehydrogenase deficiency; MCADD; MCAD Deficiency; ACADM DEFICIENCY. Identifiers: Orphanet 42, MedGen C0220710, MONDO:0008721, OMIM 201450.

Submissions (2):

Myriad Genetics, Inc.
Classification: Pathogenic for Medium-chain acyl-coenzyme A dehydrogenase deficiency. Last evaluated: 2024-06-02. Review status: criteria provided, single submitter. Criteria: Myriad Autosomal Dominant, Autosomal Recessive and X-Linked Classification Criteria (2023). Collection method: clinical testing. Allele origin: unknown.
Comment: NM_000016.4(ACADM):c.117delT(F39Lfs*39) is expected to be pathogenic in the context of medium-chain acyl-CoA dehydrogenase deficiency. This variant is predicted to lead to an abnormal or absent protein product due to the creation of a premature termination codon in ACADM, a gene where loss-of-function variants are known to be pathogenic. Please note: this variant was assessed in the context of healthy population screening.

Baylor Genetics
Classification: Likely pathogenic for Medium-chain acyl-coenzyme A dehydrogenase deficiency. Last evaluated: 2023-03-02. Review status: criteria provided, single submitter. Criteria: ACMG Guidelines, 2015. Collection method: clinical testing. Allele origin: unknown.